The following is an entry in ClinVar:

ClinVar aggregate classification (germline): Pathogenic (1 of 4 stars; one submission).

Submission:

Labcorp Genetics (formerly Invitae), Labcorp
Classification: Pathogenic. Last evaluated: 2021-08-31. Review status: criteria provided, single submitter. Criteria: Invitae Variant Classification Sherloc (09022015). Collection method: clinical testing. Allele origin: germline.
Comment: For these reasons, this variant has been classified as Pathogenic. Algorithms developed to predict the effect of sequence changes on RNA splicing suggest that this variant may disrupt the consensus splice site. Disruption of this splice site has been observed in individual(s) with Gitelman syndrome (PMID: 9596079). It has also been observed to segregate with disease in related individuals. This variant is not present in population databases (ExAC no frequency). This sequence change affects a donor splice site in intron 24 of the SLC12A3 gene. It is expected to disrupt RNA splicing. Variants that disrupt the donor or acceptor splice site typically lead to a loss of protein function (PMID: 16199547), and loss-of-function variants in SLC12A3 are known to be pathogenic (PMID: 20848653, 22009145, 25841442).

Literature cited by the submitters: PubMed 9596079; PubMed 16199547; PubMed 20848653; PubMed 22009145; PubMed 25841442.

NM_001126108.2(SLC12A3):c.2856+1G>A

Gene: SLC12A3 (solute carrier family 12 member 3; plus strand). Cytogenetic location: 16q13.
Variant type: single nucleotide variant.
Coding change: c.2856+1G>A on transcript NM_001126108.2 (MANE Select); the canonical splice donor site of the intron after coding-DNA position 2856, G replaced by A.
Molecular consequence: splice donor variant.
Genome position (GRCh38, 1-based): chr16:56,902,509, G>A. VCF-style: chr16-56902509-G-A. GRCh37 (hg19) VCF-style: chr16-56936421-G-A.
Other names: c.2883+1G>A (NM_000339.3); c.2880+1G>A (NM_001126107.2); c.2853+1G>A (NM_001410896.1).
Identifiers: ClinVar variation 1373755 (VCV001373755.6), dbSNP rs199974259, ClinGen allele CA396001598.
Genomic context (GRCh38, chr16:56,902,509, plus strand): 5'-ATGCGGCGGGACTGCCCCTGGAAGATCTCAGATGAGGAGATTACGAAGAACAGAGTCAAG[G>A]TGCAGAGAGGGGTGGGGGTGGGAAACGCGACACATCACTGGGTCAGGGACGGGTGTCCTG-3'